The following is an entry in ClinVar:

ClinVar aggregate classification (germline): other (0 of 4 stars; one submission).

Conditions:
Familial colorectal cancer. Identifiers: MedGen CN280943, MONDO:0023113. Disease mechanism: loss of function.

Submission:

Systems Biology Platform Zhejiang California International NanoSystems Institute
Classification: other for Familial colorectal cancer. Review status: no assertion criteria provided. Collection method: not provided. Allele origin: unknown.
ClinVar note: Converted during submission from cancer to other.

NM_000038.6(APC):c.729+1527A>G

Gene: APC (APC regulator of WNT signaling pathway; plus strand). Cytogenetic location: 5q22.2.
Variant type: single nucleotide variant.
Coding change: c.729+1527A>G on transcript NM_000038.6 (MANE Select); 1527 bases into the intron after coding-DNA position 729, A replaced by G.
Molecular consequence: intron variant.
Genome position (GRCh38, 1-based): chr5:112,794,056, A>G. VCF-style: chr5-112794056-A-G. GRCh37 (hg19) VCF-style: chr5-112129753-A-G.
Other names: c.729+1527A>G (NM_001354895.2, NM_001127510.3, NM_001354896.2 and 1 more transcripts); c.759+1527A>G (NM_001354897.2, NM_001354902.2); c.676-7223A>G (NM_001127511.3); c.654+1527A>G (NM_001354898.2, NM_001354904.2); c.-307+1527A>G (NM_001354906.2); c.646-7223A>G (NM_001354899.2); c.552+1527A>G (NM_001354900.2, NM_001354901.2, NM_001354905.2).
Identifiers: ClinVar variation 82484 (VCV000082484.2), dbSNP rs78185081, ClinGen allele CA013008.